The following is an entry in ClinVar:

ClinVar aggregate classification (germline): Uncertain significance. Review status: criteria provided, multiple submitters, no conflicts (2 of 4 stars). 2 submissions from 2 submitters: Uncertain significance (2). Last evaluated 2025-08-06.

Conditions:
Inborn genetic diseases. Identifiers: MedGen C0950123, MeSH D030342.

Submissions (2):

Labcorp Genetics (formerly Invitae), Labcorp
Classification: Uncertain significance. Last evaluated: 2025-08-06. Review status: criteria provided, single submitter. Criteria: Invitae Variant Classification Sherloc (09022015). Collection method: clinical testing. Allele origin: germline.
Comment: This sequence change replaces glycine, which is neutral and non-polar, with arginine, which is basic and polar, at codon 62 of the GDF5 protein (p.Gly62Arg). This variant is not present in population databases (gnomAD no frequency). This variant has not been reported in the literature in individuals affected with GDF5-related conditions. ClinVar contains an entry for this variant (Variation ID: 2312771). An algorithm developed to predict the effect of missense changes on protein structure and function (PolyPhen-2) suggests that this variant is likely to be disruptive. In summary, the available evidence is currently insufficient to determine the role of this variant in disease. Therefore, it has been classified as a Variant of Uncertain Significance.

Ambry Genetics
Classification: Uncertain significance for Inborn genetic diseases. Last evaluated: 2022-09-22. Review status: criteria provided, single submitter. Criteria: Ambry Variant Classification Scheme 2023. Collection method: clinical testing. Allele origin: germline.

NM_000557.5(GDF5):c.184G>C (p.Gly62Arg)

Gene: GDF5 (growth differentiation factor 5; minus strand). Cytogenetic location: 20q11.22.
Variant type: single nucleotide variant.
Coding change: c.184G>C on transcript NM_000557.5 (MANE Select); coding-DNA position 184, G replaced by C.
Protein change: p.Gly62Arg; replaces glycine 62 with arginine.
Molecular consequence: missense variant.
Genome position (GRCh38, 1-based): chr20:35,437,745, C>G on the plus strand (G>C on the coding strand, the complement: GDF5 is on the minus strand). VCF-style: chr20-35437745-C-G. GRCh37 (hg19) VCF-style: chr20-34025525-C-G.
Other names: c.184G>C, p.Gly62Arg (NM_001319138.2); short protein forms G62R.
Identifiers: ClinVar variation 2312771 (VCV002312771.3), dbSNP rs757930848, ClinGen allele CA408744818.